The following is an entry in ClinVar:

NM_001164508.2(NEB):c.823C>T (p.Gln275Ter)

Gene: NEB (nebulin; minus strand). Cytogenetic location: 2q23.3.
Variant type: single nucleotide variant.
Coding change: c.823C>T on transcript NM_001164508.2 (MANE Select); coding-DNA position 823, C replaced by T.
Protein change: p.Gln275Ter; replaces glutamine 275 with a stop codon.
Molecular consequence: nonsense.
Genome position (GRCh38, 1-based): chr2:151,710,538, G>A on the plus strand (C>T on the coding strand, the complement: NEB is on the minus strand). VCF-style: chr2-151710538-G-A. GRCh37 (hg19) VCF-style: chr2-152567052-G-A.
Other names: c.823C>T, p.Gln275Ter (NM_001164507.2, NM_001271208.2, NM_004543.5); short protein forms Q275*.
Identifiers: ClinVar variation 5013729 (VCV005013729.1).

ClinVar aggregate classification (germline): Pathogenic (1 of 4 stars; one submission).

Conditions:
Nemaline myopathy 2 (NEM2). Also called: Nemaline myopathy 2, autosomal recessive. Identifiers: MedGen C1850569, MONDO:0009725, OMIM 256030.

Submission:

Myriad Genetics, Inc.
Classification: Pathogenic for Nemaline myopathy 2. Last evaluated: 2024-11-10. Review status: criteria provided, single submitter. Criteria: Myriad Autosomal Dominant, Autosomal Recessive and X-Linked Classification Criteria (2023). Collection method: clinical testing. Allele origin: unknown.
Comment: NM_001271208.1(NEB):c.823C>T(Q275*) is expected to be pathogenic in the context of NEB-related nemaline myopathy. This variant is predicted to lead to an abnormal or absent protein product due to the creation of a premature termination codon in NEB, a gene where loss-of-function variants are known to be pathogenic. Please note: this variant was assessed in the context of healthy population screening.